The following is an entry in ClinVar:

NM_002471.4(MYH6):c.3979-14C>A

Gene: MYH6 (myosin heavy chain 6; minus strand). Cytogenetic location: 14q11.2.
Variant type: single nucleotide variant.
Coding change: c.3979-14C>A on transcript NM_002471.4 (MANE Select); 14 bases into the intron before coding-DNA position 3979, C replaced by A.
Molecular consequence: intron variant.
Genome position (GRCh38, 1-based): chr14:23,389,069, G>T on the plus strand (C>A on the coding strand, the complement: MYH6 is on the minus strand). VCF-style: chr14-23389069-G-T. GRCh37 (hg19) VCF-style: chr14-23858278-G-T.
Identifiers: ClinVar variation 312859 (VCV000312859.22), dbSNP rs372226248, ClinGen allele CA7114988.

ClinVar aggregate classification (germline): Benign/Likely benign. Review status: criteria provided, multiple submitters, no conflicts (2 of 4 stars). 10 submissions from 10 submitters: Benign (2); Likely benign (3). 5 of the submissions do not count toward it. Last evaluated 2025-12-09.

Conditions:
Hypertrophic cardiomyopathy 14. Identifiers: MedGen C2750467, MONDO:0013197, OMIM 613251.
MYH6-related disorder. Also called: MYH6-Related Disorders; MYH6-related condition.

Allele frequency attached by ClinVar (database versions not stated): TOPMed 0.00026; ESP Exome Variant Server 0.00031.
gnomAD v4.1: 732 of 1,528,698 alleles (0.048%); highest among the groups gnomAD compares: South Asian, 0.13%; 3 homozygotes.

Submissions (10):

Labcorp Genetics (formerly Invitae), Labcorp
Classification: Likely benign for Hypertrophic cardiomyopathy 14. Last evaluated: 2025-12-09. Review status: criteria provided, single submitter. Criteria: Invitae Variant Classification Sherloc (09022015). Collection method: clinical testing. Allele origin: germline.

Blueprint Genetics
Classification: Likely benign. Last evaluated: 2024-10-22. Review status: criteria provided, single submitter. Criteria: ACMG Guidelines, 2015. Collection method: clinical testing. Allele origin: germline.

Women's Health and Genetics/Laboratory Corporation of America, LabCorp
Classification: Benign. Last evaluated: 2022-08-06. Review status: criteria provided, single submitter. Criteria: LabCorp Variant Classification Summary - May 2015. Collection method: clinical testing. Allele origin: germline.

ARUP Laboratories, Molecular Genetics and Genomics, ARUP Laboratories
Classification: Benign. Last evaluated: 2022-03-24. Review status: criteria provided, single submitter. Criteria: ARUP Molecular Germline Variant Investigation Process 2021. Collection method: clinical testing. Allele origin: germline.

GeneDx
Classification: Likely benign. Last evaluated: 2017-10-19. Review status: criteria provided, single submitter. Criteria: GeneDx Variant Classification (06012015). Collection method: clinical testing. Allele origin: germline. Affected: yes.
Comment: This variant is considered likely benign or benign based on one or more of the following criteria: it is a conservative change, it occurs at a poorly conserved position in the protein, it is predicted to be benign by multiple in silico algorithms, and/or has population frequency not consistent with disease.

PreventionGenetics, part of Exact Sciences
Classification: Likely benign for MYH6-related condition. Last evaluated: 2021-08-20. Review status: no assertion criteria provided. Collection method: clinical testing. Allele origin: germline. Not counted in ClinVar's aggregate classification.
Comment: This variant is classified as likely benign based on ACMG/AMP sequence variant interpretation guidelines (Richards et al. 2015 PMID: 25741868, with internal and published modifications).

Clinical Genetics, Academic Medical Center
Classification: Benign. Review status: no assertion criteria provided. Collection method: clinical testing. Allele origin: germline. Affected: yes. Study: VKGL Data-share Consensus. Not counted in ClinVar's aggregate classification.

Diagnostic Laboratory, Department of Genetics, University Medical Center Groningen
Classification: Likely benign. Review status: no assertion criteria provided. Collection method: clinical testing. Allele origin: germline. Affected: yes. Study: VKGL Data-share Consensus. Not counted in ClinVar's aggregate classification.

Genome Diagnostics Laboratory, University Medical Center Utrecht
Classification: Likely benign. Review status: no assertion criteria provided. Collection method: clinical testing. Allele origin: germline. Affected: yes. Study: VKGL Data-share Consensus. Not counted in ClinVar's aggregate classification.

Joint Genome Diagnostic Labs from Nijmegen and Maastricht, Radboudumc and MUMC+
Classification: Likely benign. Review status: no assertion criteria provided. Collection method: clinical testing. Allele origin: germline. Affected: yes. Study: VKGL Data-share Consensus. Not counted in ClinVar's aggregate classification.